The following is an entry in ClinVar:

NM_000136.3(FANCC):c.1051G>T (p.Val351Leu)

Genes: AOPEP (aminopeptidase O (putative); plus strand), FANCC (FA complementation group C; minus strand). Cytogenetic location: 9q22.32.
Variant type: single nucleotide variant.
Coding change: c.1051G>T on transcript NM_000136.3 (MANE Select); coding-DNA position 1051, G replaced by T.
Protein change: p.Val351Leu; replaces valine 351 with leucine.
Molecular consequence: missense variant.
Genome position (GRCh38, 1-based): chr9:95,117,336, C>A on the plus strand (G>T on the coding strand, the complement: FANCC is on the minus strand). VCF-style: chr9-95117336-C-A. GRCh37 (hg19) VCF-style: chr9-97879618-C-A.
Other names: c.1051G>T, p.Val351Leu (NM_001243743.2, NM_001243744.2); short protein forms V351L.
Identifiers: ClinVar variation 4855104 (VCV004855104.1).

ClinVar aggregate classification (germline): Uncertain significance (1 of 4 stars; one submission).

Conditions:
Fanconi anemia complementation group C (FANCC). Also called: FANCONI PANCYTOPENIA, TYPE 3; FACC; Fanconi anemia, group C; FANCC-Related Fanconi Anemia. Identifiers: Orphanet 84, MedGen C3468041, MONDO:0009213, OMIM 227645.

Submission:

3billion
Classification: Uncertain significance for Fanconi anemia complementation group C. Last evaluated: 2025-12-16. Review status: criteria provided, single submitter. Criteria: ACMG Guidelines, 2015. Collection method: clinical testing. Allele origin: germline. Affected: yes.
Comment: The variant is not observed in the gnomAD v4.1.0 dataset. Predicted Consequence/Location: Missense variant. The majority of the known disease-causing variants of this gene are variants expected to result in premature termination of the protein. In silico tools do not predict the variant to alter splicing and produce an abnormal transcript [SpliceAI: 0.07 (<=0.1, moderate evidence for non-spliceogenicity)]. Different missense changes at the same codon have been reported as of uncertain significance (ClinVar ID: VCV003277658). Therefore, this variant is classified as VUS according to the recommendation of ACMG/AMP guideline.